The following is an entry in ClinVar:

NM_006742.3(PSKH1):c.737G>A (p.Arg246His)

Gene: PSKH1 (protein serine kinase H1; plus strand). Cytogenetic location: 16q22.1.
Variant type: single nucleotide variant.
Coding change: c.737G>A on transcript NM_006742.3 (MANE Select); coding-DNA position 737, G replaced by A.
Protein change: p.Arg246His; replaces arginine 246 with histidine.
Molecular consequence: missense variant.
Genome position (GRCh38, 1-based): chr16:67,909,486, G>A. VCF-style: chr16-67909486-G-A. GRCh37 (hg19) VCF-style: chr16-67943389-G-A.
Other names: short protein forms R246H.
Identifiers: ClinVar variation 3939564 (VCV003939564.2).

ClinVar aggregate classification (germline): Uncertain significance. Review status: criteria provided, multiple submitters, no conflicts (2 of 4 stars). 2 submissions from 2 submitters: Uncertain significance (2). Last evaluated 2026-05-14.

Conditions:
PSKH1-related condition.

Submissions (2):

PreventionGenetics, part of Exact Sciences
Classification: Uncertain significance for PSKH1-related condition. Last evaluated: 2026-05-14. Review status: criteria provided, single submitter. Criteria: ACMG Guidelines, 2015. Collection method: clinical testing. Allele origin: germline.
Comment: The PSKH1 c.737G>A variant is predicted to result in the amino acid substitution p.Arg246His. To our knowledge, this variant has not been reported in the literature. This variant is reported in 0.013% of alleles in individuals of South Asian descent in gnomAD. At this time, the clinical significance of this variant is uncertain due to the absence of conclusive functional and genetic evidence.

Ambry Genetics
Classification: Uncertain significance. Last evaluated: 2025-05-03. Review status: criteria provided, single submitter. Criteria: Ambry Variant Classification Scheme 2023. Collection method: clinical testing. Allele origin: germline.